The following is an entry in ClinVar:

ClinVar aggregate classification (germline): Uncertain significance (1 of 4 stars; one submission).

Submission:

CeGaT Center for Human Genetics Tuebingen
Classification: Uncertain significance. Last evaluated: 2026-06-01. Review status: criteria provided, single submitter. Criteria: CeGaT Center For Human Genetics Tuebingen Variant Classification Criteria Version 2. Collection method: clinical testing. Allele origin: germline. Affected: yes. Observed: 2 variant alleles.
Comment: TAF1: PM1, PM2, PP2

NM_004606.5(TAF1):c.4415A>G (p.Gln1472Arg)

Gene: TAF1 (TATA-box binding protein associated factor 1; plus strand). Cytogenetic location: Xq13.1.
Variant type: single nucleotide variant.
Coding change: c.4415A>G on transcript NM_004606.5 (MANE Select); coding-DNA position 4415, A replaced by G.
Protein change: p.Gln1472Arg; replaces glutamine 1472 with arginine.
Molecular consequence: missense variant. On other transcripts: non-coding transcript variant (9).
Genome position (GRCh38, 1-based): chrX:71,421,339, A>G. VCF-style: chrX-71421339-A-G. GRCh37 (hg19) VCF-style: chrX-70641189-A-G.
Other names: c.4415A>G, p.Gln1472Arg (NM_001286074.2, NM_001440852.1, NM_001440853.1); c.4352A>G, p.Gln1451Arg (NM_001440854.1, NM_138923.4); short protein forms Q1451R, Q1472R.
Identifiers: ClinVar variation 4874445 (VCV004874445.2).